The following is an entry in ClinVar:

NM_001127671.2(LIFR):c.2353G>A (p.Val785Ile)

Gene: LIFR (LIF receptor subunit alpha; minus strand). Cytogenetic location: 5p13.1.
Variant type: single nucleotide variant.
Coding change: c.2353G>A on transcript NM_001127671.2 (MANE Select); coding-DNA position 2353, G replaced by A.
Protein change: p.Val785Ile; replaces valine 785 with isoleucine.
Molecular consequence: missense variant.
Genome position (GRCh38, 1-based): chr5:38,485,963, C>T on the plus strand (G>A on the coding strand, the complement: LIFR is on the minus strand). VCF-style: chr5-38485963-C-T. GRCh37 (hg19) VCF-style: chr5-38486065-C-T.
Other names: c.2353G>A, p.Val785Ile (NM_001364297.2, NM_001364298.2, NM_002310.6); short protein forms V785I.
Identifiers: ClinVar variation 353617 (VCV000353617.24), dbSNP rs3110234, ClinGen allele CA3242681.

ClinVar aggregate classification (germline): Benign. Review status: criteria provided, multiple submitters, no conflicts (2 of 4 stars). 7 submissions from 7 submitters: Benign (6). 1 of the submissions does not count toward it. Last evaluated 2026-02-04.

Conditions:
Stuve-Wiedemann syndrome (STWS). Also called: Stüve-Wiedemann syndrome. Identifiers: Orphanet 3206, MedGen C0796176, MONDO:0031280.

Allele frequency attached by ClinVar (database versions not stated): 1000 Genomes Project 0.13838; 1000 Genomes Project 30x 0.14413; gnomAD 0.17590 and 0.17829; TOPMed 0.17844; ESP Exome Variant Server 0.18691; ExAC 0.19090; gnomAD exomes 0.19218.
gnomAD v4.1: 329,035 of 1,610,922 alleles (20%); highest among the groups gnomAD compares: Admixed American, 27%; 35,958 homozygotes.

Submissions (7):

Labcorp Genetics (formerly Invitae), Labcorp
Classification: Benign. Last evaluated: 2026-02-04. Review status: criteria provided, single submitter. Criteria: Invitae Variant Classification Sherloc (09022015). Collection method: clinical testing. Allele origin: germline.

Blueprint Genetics
Classification: Benign. Last evaluated: 2024-11-26. Review status: criteria provided, single submitter. Criteria: ACMG Guidelines, 2015. Collection method: clinical testing. Allele origin: germline.

Genome-Nilou Lab
Classification: Benign for Stüve-Wiedemann syndrome 1. Last evaluated: 2021-07-10. Review status: criteria provided, single submitter. Criteria: ACMG Guidelines, 2015. Collection method: clinical testing. Allele origin: germline. Affected: no.

GeneDx
Classification: Benign. Last evaluated: 2018-08-19. Review status: criteria provided, single submitter. Criteria: GeneDx Variant Classification Process June 2021. Collection method: clinical testing. Allele origin: germline. Affected: yes.

Illumina Laboratory Services, Illumina
Classification: Benign for Stüve-Wiedemann syndrome 1. Last evaluated: 2018-01-13. Review status: criteria provided, single submitter. Criteria: ICSL Variant Classification Criteria 13 December 2019. Collection method: clinical testing. Allele origin: germline.
Comment: This variant was observed in the ICSL laboratory as part of a predisposition screen in an ostensibly healthy population. It had not been previously curated by ICSL or reported in the Human Gene Mutation Database (HGMD: prior to June 1st, 2018), and was therefore a candidate for classification through an automated scoring system. Utilizing variant allele frequency, disease prevalence and penetrance estimates, and inheritance mode, an automated score was calculated to assess if this variant is too frequent to cause the disease. Based on the score and internal cut-off values, a variant classified as benign is not then subjected to further curation. The score for this variant resulted in a classification of benign for this disease.

Breakthrough Genomics
Classification: Benign. Review status: criteria provided, single submitter. Criteria: ACMG Guidelines, 2015. Collection method: not provided. Allele origin: germline. Inheritance: Autosomal recessive inheritance. Affected: yes.

Natera, Inc.
Classification: Benign for Stuve-Wiedemann syndrome. Last evaluated: 2019-11-20. Review status: no assertion criteria provided. Collection method: clinical testing. Allele origin: germline. Not counted in ClinVar's aggregate classification.